The following is an entry in ClinVar:

ClinVar aggregate classification (germline): Uncertain significance (1 of 4 stars; one submission).

gnomAD v4.1: 2 of 1,614,122 alleles (0.00012%); highest among the groups gnomAD compares: South Asian, 0.0011%; no homozygotes.

Submission:

Labcorp Genetics (formerly Invitae), Labcorp
Classification: Uncertain significance. Last evaluated: 2024-04-11. Review status: criteria provided, single submitter. Criteria: Invitae Variant Classification Sherloc (09022015). Collection method: clinical testing. Allele origin: germline.
Comment: This sequence change replaces aspartic acid, which is acidic and polar, with glutamic acid, which is acidic and polar, at codon 474 of the ANKH protein (p.Asp474Glu). This variant is present in population databases (rs766275332, gnomAD 0.003%). This variant has not been reported in the literature in individuals affected with ANKH-related conditions. An algorithm developed to predict the effect of missense changes on protein structure and function (PolyPhen-2) suggests that this variant is likely to be tolerated. In summary, the available evidence is currently insufficient to determine the role of this variant in disease. Therefore, it has been classified as a Variant of Uncertain Significance.

NM_054027.6(ANKH):c.1422C>G (p.Asp474Glu)

Genes: ANKH (ANKH inorganic pyrophosphate transport regulator; minus strand), OTULIN (OTU deubiquitinase with linear linkage specificity; plus strand). Cytogenetic location: 5p15.2.
Variant type: single nucleotide variant.
Coding change: c.1422C>G on transcript NM_054027.6 (MANE Select); coding-DNA position 1422, C replaced by G.
Protein change: p.Asp474Glu; replaces aspartic acid 474 with glutamic acid.
Molecular consequence: missense variant.
Genome position (GRCh38, 1-based): chr5:14,711,254, G>C on the plus strand (C>G on the coding strand, the complement: ANKH is on the minus strand). VCF-style: chr5-14711254-G-C. GRCh37 (hg19) VCF-style: chr5-14711363-G-C.
Other names: short protein forms D474E.
Identifiers: ClinVar variation 3694335 (VCV003694335.2).
Genomic context (GRCh38, chr5:14,711,254, plus strand): 5'-GCCTTATTCATTCTCCTCTCTCATTTCCACGATGTCTGTCACCTCCTCTGTCGGAGGCAT[G>C]TCTGTCATGGCAGAGTCTTCCCCCTCCGTGGCCGACTCATTCTCCATCTTCTTTTTCTAG-3'
Protein context (NP_473368.1, residues 464-484): ATEGEDSAMT[Asp474Glu]MPPTEEVTDI